The following is an entry in ClinVar:

NM_000094.4(COL7A1):c.90del (p.Cys31fs)

Gene: COL7A1 (collagen type VII alpha 1 chain; minus strand). Cytogenetic location: 3p21.31.
Variant type: Deletion.
Coding change: c.90del on transcript NM_000094.4 (MANE Select); coding-DNA position 90, one base deleted (C; older notation c.90delC).
Protein change: p.Cys31fs; shifts the reading frame from cysteine 31.
Molecular consequence: frameshift variant.
Genome position (GRCh38, 1-based): chr3:48,594,544, G deleted on the plus strand (C on the coding strand, the reverse complement: COL7A1 is on the minus strand); the first of 2 consecutive G bases (chr3:48,594,544-48,594,545); deleting either gives the same sequence. VCF-style (leftmost placement, unchanged base first): chr3-48594543-AG-A. GRCh37 (hg19) VCF-style: chr3-48631976-AG-A.
Other names: c.90delC (NM_000094.3); short protein forms C31fs.
Identifiers: ClinVar variation 1219081 (VCV001219081.12), dbSNP rs747209331, ClinGen allele CA2381650.

ClinVar aggregate classification (germline): Pathogenic. Review status: criteria provided, multiple submitters, no conflicts (2 of 4 stars). 3 submissions from 3 submitters: Pathogenic (3). Last evaluated 2024-07-17.

Conditions:
Recessive dystrophic epidermolysis bullosa (RDEB). Also called: severe generalized recessive dystrophic epidermolysis bullosa; Hallopeau-Siemens Disease; DYSTROPHIC EPIDERMOLYSIS BULLOSA, AUTOSOMAL RECESSIVE; EPIDERMOLYSIS BULLOSA DYSTROPHICA, HALLOPEAU-SIEMENS TYPE; Epidermolysis Bullosa Distrophica Autosomal Recessive (RDEB); EPIDERMOLYSIS BULLOSA DYSTROPHICA, GENERALIZED SEVERE, AUTOSOMAL RECESSIVE. Identifiers: Orphanet 79408, Orphanet 79409, MedGen C0079474, MONDO:0009179, OMIM 226600.

Submissions (3):

Myriad Genetics, Inc.
Classification: Pathogenic for Recessive dystrophic epidermolysis bullosa. Last evaluated: 2024-07-17. Review status: criteria provided, single submitter. Criteria: Myriad Autosomal Dominant, Autosomal Recessive and X-Linked Classification Criteria (2023). Collection method: clinical testing. Allele origin: unknown.
Comment: NM_000094.3(COL7A1):c.90delC(C31Afs*73) is expected to be pathogenic in the context of dystrophic epidermolysis bullosa. This variant is predicted to lead to an abnormal or absent protein product due to the creation of a premature termination codon in COL7A1, a gene where loss-of-function variants are known to be pathogenic. Please note: this variant was assessed in the context of healthy population screening.

Labcorp Genetics (formerly Invitae), Labcorp
Classification: Pathogenic. Last evaluated: 2022-07-25. Review status: criteria provided, single submitter. Criteria: Invitae Variant Classification Sherloc (09022015). Collection method: clinical testing. Allele origin: germline.
Comment: For these reasons, this variant has been classified as Pathogenic. ClinVar contains an entry for this variant (Variation ID: 1219081). This variant has not been reported in the literature in individuals affected with COL7A1-related conditions. This variant is not present in population databases (gnomAD no frequency). This sequence change creates a premature translational stop signal (p.Cys31Alafs*73) in the COL7A1 gene. It is expected to result in an absent or disrupted protein product. Loss-of-function variants in COL7A1 are known to be pathogenic (PMID: 16971478).

GeneDx
Classification: Pathogenic. Last evaluated: 2021-10-11. Review status: criteria provided, single submitter. Criteria: GeneDx Variant Classification Process June 2021. Collection method: clinical testing. Allele origin: germline. Affected: yes.
Comment: Has not been previously published as pathogenic or benign to our knowledge; Frameshift variant predicted to result in protein truncation or nonsense mediated decay in a gene for which loss-of-function is a known mechanism of disease; Not observed at significant frequency in large population cohorts (Lek et al., 2016)

Literature cited by the submitters: PubMed 16971478 (cited by Labcorp Genetics (formerly Invitae), Labcorp).